The following is an entry in ClinVar:

NM_015275.3(WASHC4):c.49G>A (p.Asp17Asn)

Genes: WASHC4 (WASH complex subunit 4; plus strand), LOC130008643 (ATAC-STARR-seq lymphoblastoid active region 6940; plus strand). Cytogenetic location: 12q23.3.
Variant type: single nucleotide variant.
Coding change: c.49G>A on transcript NM_015275.3 (MANE Select); coding-DNA position 49, G replaced by A.
Protein change: p.Asp17Asn; replaces aspartic acid 17 with asparagine.
Molecular consequence: missense variant.
Genome position (GRCh38, 1-based): chr12:105,107,849, G>A. VCF-style: chr12-105107849-G-A. GRCh37 (hg19) VCF-style: chr12-105501627-G-A.
Other names: c.49G>A, p.Asp17Asn (NM_001293640.2); short protein forms D17N.
Identifiers: ClinVar variation 742318 (VCV000742318.7), dbSNP rs191511427, ClinGen allele CA6758187.
Genomic context (GRCh38, chr12:105,107,849, plus strand): 5'-GGCGCCGGGGTGATGGCGGTGGAGACTCTGTCCCCGGACTGGGAGTTTGACCGCGTTGAC[G>A]ACGGCTCGCAGAGTAAGGGAGCTGCAGGGCGAGGGCTGCGGGTGGACGCTCCTTCGGCCC-3'
Protein context (NP_056090.1, residues 7-27): SPDWEFDRVD[Asp17Asn]GSQKIHAEVQ

ClinVar aggregate classification (germline): Conflicting classifications of pathogenicity. Review status: criteria provided, conflicting classifications (1 of 4 stars). 3 submissions from 3 submitters: Uncertain significance (1); Likely benign (1). 1 of the submissions does not count toward it. Last evaluated 2019-12-31.

Conditions:
WASHC4-related disorder. Also called: WASHC4-related condition.
Intellectual developmental disorder, autosomal recessive 43. Also called: Intellectual disability, autosomal recessive 43. Identifiers: Orphanet 88616, MedGen C4014386, MONDO:0014354, OMIM 615817.

Allele frequency attached by ClinVar (database versions not stated): ExAC 0.00037; gnomAD 0.00154 and 0.00146; gnomAD exomes 0.00025; TOPMed 0.00153; 1000 Genomes Project 0.00180; 1000 Genomes Project 30x 0.00219; ESP Exome Variant Server 0.00035.
gnomAD v4.1: 403 of 1,550,470 alleles (0.026%); highest among the groups gnomAD compares: African/African-American, 0.48%; 1 homozygote.

Submissions (3):

Labcorp Genetics (formerly Invitae), Labcorp
Classification: Likely benign. Last evaluated: 2019-12-31. Review status: criteria provided, single submitter. Criteria: Invitae Variant Classification Sherloc (09022015). Collection method: clinical testing. Allele origin: germline.

Baylor Genetics
Classification: Uncertain significance for Intellectual developmental disorder, autosomal recessive 43. Last evaluated: 2018-03-19. Review status: criteria provided, single submitter. Criteria: ACMG Guidelines, 2015. Collection method: clinical testing. Allele origin: unknown. Affected: yes.
Comment: This variant was determined to be of uncertain significance according to ACMG Guidelines, 2015 [PMID:25741868].

PreventionGenetics, part of Exact Sciences
Classification: Likely benign for WASHC4-related condition. Last evaluated: 2022-04-18. Review status: no assertion criteria provided. Collection method: clinical testing. Allele origin: germline. Not counted in ClinVar's aggregate classification.
Comment: This variant is classified as likely benign based on ACMG/AMP sequence variant interpretation guidelines (Richards et al. 2015 PMID: 25741868, with internal and published modifications).